The following is an entry in ClinVar:

ClinVar aggregate classification (germline): Uncertain significance (1 of 4 stars; one submission).

gnomAD v4.1: 1 of 1,614,104 alleles (0.000062%); highest among the groups gnomAD compares: Admixed American, 0.0017%; no homozygotes.

Submission:

Ambry Genetics
Classification: Uncertain significance. Last evaluated: 2024-07-07. Review status: criteria provided, single submitter. Criteria: Ambry Variant Classification Scheme 2023. Collection method: clinical testing. Allele origin: germline.
Comment: The p.C997R variant (also known as c.2989T>C), located in coding exon 24 of the BUB1 gene, results from a T to C substitution at nucleotide position 2989. The cysteine at codon 997 is replaced by arginine, an amino acid with highly dissimilar properties. This amino acid position is conserved. In addition, this alteration is predicted to be deleterious by in silico analysis. Based on the available evidence, the clinical significance of this variant remains unclear.

NM_004336.5(BUB1):c.2989T>C (p.Cys997Arg)

Gene: BUB1 (BUB1 mitotic checkpoint serine/threonine kinase; minus strand). Cytogenetic location: 2q13.
Variant type: single nucleotide variant.
Coding change: c.2989T>C on transcript NM_004336.5 (MANE Select); coding-DNA position 2989, T replaced by C.
Protein change: p.Cys997Arg; replaces cysteine 997 with arginine.
Molecular consequence: missense variant.
Genome position (GRCh38, 1-based): chr2:110,639,815, A>G on the plus strand (T>C on the coding strand, the complement: BUB1 is on the minus strand). VCF-style: chr2-110639815-A-G. GRCh37 (hg19) VCF-style: chr2-111397392-A-G.
Other names: c.2929T>C, p.Cys977Arg (NM_001278616.2); c.2818T>C, p.Cys940Arg (NM_001278617.2); short protein forms C977R, C940R, C997R.
Identifiers: ClinVar variation 3483020 (VCV003483020.1).